The following is an entry in ClinVar:

NM_033343.4(LHX4):c.721_723del (p.Glu241del)

Genes: ACBD6 (acyl-CoA binding domain containing 6; minus strand), LHX4 (LIM homeobox 4; plus strand), LHX4-AS1 (LHX4 antisense RNA 1; minus strand). Cytogenetic location: 1q25.2.
Variant type: Deletion.
Coding change: c.721_723del on transcript NM_033343.4 (MANE Select); coding-DNA positions 721 to 723, 3 bases deleted (GAG; older notation c.721_723delGAG).
Protein change: p.Glu241del; deletes glutamic acid 241.
Molecular consequence: non-coding transcript variant (on NR_037642.1). On other transcripts: inframe indel (1).
Genome position (GRCh38, 1-based): chr1:180,271,949-180,271,951, GAG deleted; deleting any 3 consecutive bases within chr1:180,271,947-180,271,951 gives the same sequence; the c. name uses the placement nearest the transcript's 3' end. VCF-style (leftmost placement, unchanged base first): chr1-180271946-CAGG-C. GRCh37 (hg19) VCF-style: chr1-180241081-CAGG-C.
Other names: c.721_723delGAG, p.Glu241del (NM_033343.3); short protein forms E241del.
Identifiers: ClinVar variation 4083106 (VCV004083106.2).

ClinVar aggregate classification (germline): Uncertain significance. Review status: criteria provided, multiple submitters, no conflicts (2 of 4 stars). 2 submissions from 2 submitters: Uncertain significance (2). Last evaluated 2025-06-11.

Submissions (2):

Labcorp Genetics (formerly Invitae), Labcorp
Classification: Uncertain significance. Last evaluated: 2025-06-11. Review status: criteria provided, single submitter. Criteria: Invitae Variant Classification Sherloc (09022015). Collection method: clinical testing. Allele origin: germline.
Comment: This variant, c.721_723del, results in the deletion of 1 amino acid(s) of the LHX4 protein (p.Glu241del), but otherwise preserves the integrity of the reading frame. This variant is present in population databases (rs749382204, gnomAD 0.003%). This variant has not been reported in the literature in individuals affected with LHX4-related conditions. Experimental studies and prediction algorithms are not available or were not evaluated, and the functional significance of this variant is currently unknown. In summary, the available evidence is currently insufficient to determine the role of this variant in disease. Therefore, it has been classified as a Variant of Uncertain Significance.

GeneDx
Classification: Uncertain significance. Last evaluated: 2025-03-10. Review status: criteria provided, single submitter. Criteria: GeneDx Variant Classification Process June 2021. Collection method: clinical testing. Allele origin: germline. Affected: yes.
Comment: In-frame deletion of 1 amino acid in a non-repeat region; In silico analysis supports a deleterious effect on protein structure/function; Has not been previously published as pathogenic or benign to our knowledge